The following is an entry in ClinVar:

ClinVar aggregate classification (germline): Uncertain significance. Review status: criteria provided, multiple submitters, no conflicts (2 of 4 stars). 2 submissions from 2 submitters: Uncertain significance (2). Last evaluated 2025-10-22.

Conditions:
Inborn genetic diseases. Identifiers: MedGen C0950123, MeSH D030342.

gnomAD v4.1: 42 of 1,613,750 alleles (0.0026%); highest among the groups gnomAD compares: Non-Finnish European, 0.0032%; no homozygotes.

Submissions (2):

Ambry Genetics
Classification: Uncertain significance for Inborn genetic diseases. Last evaluated: 2025-10-22. Review status: criteria provided, single submitter. Criteria: Ambry Variant Classification Scheme 2023. Collection method: clinical testing. Allele origin: germline.

Labcorp Genetics (formerly Invitae), Labcorp
Classification: Uncertain significance. Last evaluated: 2022-11-01. Review status: criteria provided, single submitter. Criteria: Invitae Variant Classification Sherloc (09022015). Collection method: clinical testing. Allele origin: germline.
Comment: This sequence change replaces phenylalanine, which is neutral and non-polar, with leucine, which is neutral and non-polar, at codon 331 of the PLOD3 protein (p.Phe331Leu). This variant is present in population databases (rs1546841, gnomAD 0.01%). This variant has not been reported in the literature in individuals affected with PLOD3-related conditions. Algorithms developed to predict the effect of missense changes on protein structure and function (SIFT, PolyPhen-2, Align-GVGD) all suggest that this variant is likely to be tolerated. In summary, the available evidence is currently insufficient to determine the role of this variant in disease. Therefore, it has been classified as a Variant of Uncertain Significance.

NM_001084.5(PLOD3):c.993C>G (p.Phe331Leu)

Gene: PLOD3 (procollagen-lysine,2-oxoglutarate 5-dioxygenase 3; minus strand). Cytogenetic location: 7q22.1.
Variant type: single nucleotide variant.
Coding change: c.993C>G on transcript NM_001084.5 (MANE Select); coding-DNA position 993, C replaced by G.
Protein change: p.Phe331Leu; replaces phenylalanine 331 with leucine.
Molecular consequence: missense variant.
Genome position (GRCh38, 1-based): chr7:101,212,542, G>C on the plus strand (C>G on the coding strand, the complement: PLOD3 is on the minus strand). VCF-style: chr7-101212542-G-C. GRCh37 (hg19) VCF-style: chr7-100855823-G-C.
Other names: c.993C>G (NM_001084.4); short protein forms F331L.
Identifiers: ClinVar variation 2062759 (VCV002062759.2), dbSNP rs1546841, ClinGen allele CA4407908.